The following is an entry in ClinVar:

ClinVar aggregate classification (germline): Uncertain significance (1 of 4 stars; one submission).

Allele frequency attached by ClinVar (database versions not stated): TOPMed 0.00001.
gnomAD v4.1: 1 of 1,208,463 alleles (0.000083%); no homozygotes.

Submission:

GeneDx
Classification: Uncertain significance. Last evaluated: 2023-08-10. Review status: criteria provided, single submitter. Criteria: GeneDx Variant Classification Process June 2021. Collection method: clinical testing. Allele origin: germline. Affected: yes.
Comment: Not observed at significant frequency in large population cohorts (gnomAD); Missense variants in this gene are often considered pathogenic (HGMD); In silico analysis supports that this missense variant does not alter protein structure/function; Has not been previously published as pathogenic or benign to our knowledge

NM_001184880.2(PCDH19):c.613A>C (p.Ser205Arg)

Gene: PCDH19 (protocadherin 19; minus strand). Cytogenetic location: Xq22.1.
Variant type: single nucleotide variant.
Coding change: c.613A>C on transcript NM_001184880.2 (MANE Select); coding-DNA position 613, A replaced by C.
Protein change: p.Ser205Arg; replaces serine 205 with arginine.
Molecular consequence: missense variant.
Genome position (GRCh38, 1-based): chrX:100,407,985, T>G on the plus strand (A>C on the coding strand, the complement: PCDH19 is on the minus strand). VCF-style: chrX-100407985-T-G. GRCh37 (hg19) VCF-style: chrX-99662983-T-G.
Other names: c.613A>C, p.Ser205Arg (NM_001105243.2, NM_020766.3); short protein forms S205R.
Identifiers: ClinVar variation 3252318 (VCV003252318.1), dbSNP rs1928445548.